The following is an entry in ClinVar:

ClinVar aggregate classification (germline): Likely pathogenic (1 of 4 stars; one submission).

Conditions:
Mucopolysaccharidosis, MPS-III-B (MPS3B). Also called: MPS IIIB (Sanfilippo Syndrome Type B); MUCOPOLYSACCHARIDOSIS, TYPE IIIB; Mucopolysaccharidosis type IIIB (Sanfilippo B); N-ACETYL-ALPHA-D-GLUCOSAMINIDASE DEFICIENCY; NAGLU DEFICIENCY; SANFILIPPO SYNDROME B. Identifiers: Orphanet 79270, MedGen C0086648, MONDO:0009656, OMIM 252920.

Submission:

Myriad Genetics, Inc.
Classification: Likely pathogenic for Mucopolysaccharidosis, MPS-III-B. Last evaluated: 2019-10-03. Review status: criteria provided, single submitter. Criteria: Myriad Women's Health Autosomal Recessive and X-Linked Classification Criteria (2019). Collection method: clinical testing. Allele origin: unknown.
Comment: NM_000263.3(NAGLU):c.629G>A(W210*) is expected to be pathogenic in the context of mucopolysaccharidosis type IIIB. This variant is predicted to lead to an abnormal or absent protein product due to the creation of a premature termination codon in NAGLU, a gene where loss-of-function variants are known to be pathogenic. Please note: this variant was assessed in the context of healthy population screening.

NM_000263.4(NAGLU):c.629G>A (p.Trp210Ter)

Gene: NAGLU (N-acetyl-alpha-glucosaminidase; plus strand). Cytogenetic location: 17q21.2.
Variant type: single nucleotide variant.
Coding change: c.629G>A on transcript NM_000263.4 (MANE Select); coding-DNA position 629, G replaced by A.
Protein change: p.Trp210Ter; replaces tryptophan 210 with a stop codon.
Molecular consequence: nonsense.
Genome position (GRCh38, 1-based): chr17:42,538,436, G>A. VCF-style: chr17-42538436-G-A. GRCh37 (hg19) VCF-style: chr17-40690454-G-A.
Other names: short protein forms W210*.
Identifiers: ClinVar variation 983996 (VCV000983996.3), dbSNP rs2092912895, ClinGen allele CA399598607.
Genomic context (GRCh38, chr17:42,538,436, plus strand): 5'-ATGAGTTCTTTACTGGTCCTGCCTTCCTGGCCTGGGGGCGAATGGGCAACCTGCACACCT[G>A]GGATGGCCCCCTGCCCCCCTCCTGGCACATCAAGCAGCTTTACCTGCAGGTAAAAGGATG-3'